The following is an entry in ClinVar:

ClinVar aggregate classification (germline): Conflicting classifications of pathogenicity. Review status: criteria provided, conflicting classifications (1 of 4 stars). 2 submissions from 2 submitters: Uncertain significance (1); Benign (1). Last evaluated 2024-01-01.

Conditions:
GREB1L-related disorder. Also called: GREB1L-related condition.

Allele frequency attached by ClinVar (database versions not stated): gnomAD 0.00001; gnomAD exomes 0.00001; TOPMed 0.00003.
gnomAD v4.1: 12 of 1,551,540 alleles (0.00077%); highest among the groups gnomAD compares: Admixed American, 0.002%; no homozygotes.

Submissions (2):

Daryl Scott Lab, Baylor College of Medicine
Classification: Uncertain significance for GREB1L-related disorder. Last evaluated: 2024-01-01. Review status: criteria provided, single submitter. Criteria: ACMG Guidelines, 2015. Collection method: clinical testing. Allele origin: maternal. Observed: 1 heterozygote.
Comment: PM2, PP3

Labcorp Genetics (formerly Invitae), Labcorp
Classification: Benign. Last evaluated: 2022-07-12. Review status: criteria provided, single submitter. Criteria: Invitae Variant Classification Sherloc (09022015). Collection method: clinical testing. Allele origin: germline.

NM_001142966.3(GREB1L):c.5707G>A (p.Glu1903Lys)

Gene: GREB1L (GREB1 like retinoic acid receptor coactivator; plus strand). Cytogenetic location: 18q11.2.
Variant type: single nucleotide variant.
Coding change: c.5707G>A on transcript NM_001142966.3 (MANE Select); coding-DNA position 5707, G replaced by A.
Protein change: p.Glu1903Lys; replaces glutamic acid 1903 with lysine.
Molecular consequence: missense variant.
Genome position (GRCh38, 1-based): chr18:21,522,756, G>A. VCF-style: chr18-21522756-G-A. GRCh37 (hg19) VCF-style: chr18-19102717-G-A.
Other names: short protein forms E1903K.
Identifiers: ClinVar variation 1415031 (VCV001415031.7), dbSNP rs1168976920, ClinGen allele CA401739915.
Genomic context (GRCh38, chr18:21,522,756, plus strand): 5'-TTGCGCCAAACAATTGTCCGCTTAGAGCTAGAAGATGAGTGGCAGTTCCGCCTCCGGGAC[G>A]AGTTTCAAACTGCTAACAGCAGTGATGACAAGCCTCTCTACTTTCTTACTGGACGTCATG-3'
Protein context (NP_001136438.1, residues 1893-1913): EDEWQFRLRD[Glu1903Lys]FQTANSSDDK